The following is an entry in ClinVar:

NM_001987.5(ETV6):c.1283G>A (p.Ser428Asn)

Gene: ETV6 (ETS variant transcription factor 6; plus strand). Cytogenetic location: 12p13.2.
Variant type: single nucleotide variant.
Coding change: c.1283G>A on transcript NM_001987.5 (MANE Select); coding-DNA position 1283, G replaced by A.
Protein change: p.Ser428Asn; replaces serine 428 with asparagine.
Molecular consequence: missense variant. On other transcripts: 3 prime UTR variant (1).
Genome position (GRCh38, 1-based): chr12:11,890,970, G>A. VCF-style: chr12-11890970-G-A. GRCh37 (hg19) VCF-style: chr12-12043904-G-A.
Other names: c.1280G>A, p.Ser427Asn (NM_001413913.1); c.1256G>A, p.Ser419Asn (NM_001413914.1); c.1019G>A, p.Ser340Asn (NM_001413915.1); c.*22G>A (NM_001413917.1); short protein forms S340N, S419N, S427N, S428N.
Identifiers: ClinVar variation 4870665 (VCV004870665.1).

ClinVar aggregate classification (germline): Uncertain significance (1 of 4 stars; one submission).

Conditions:
Inborn genetic diseases. Identifiers: MedGen C0950123, MeSH D030342.

Submission:

Ambry Genetics
Classification: Uncertain significance for Inborn genetic diseases. Last evaluated: 2026-04-30. Review status: criteria provided, single submitter. Criteria: Ambry Variant Classification Scheme 2023. Collection method: clinical testing. Allele origin: germline.
Comment: The p.S428N variant (also known as c.1283G>A), located in coding exon 8 of the ETV6 gene, results from a G to A substitution at nucleotide position 1283. The serine at codon 428 is replaced by asparagine, an amino acid with highly similar properties. This amino acid position is well conserved in available vertebrate species. In addition, this alteration is predicted to be tolerated by in silico analysis. Based on the available evidence, the clinical significance of this variant remains unclear.